The following is an entry in ClinVar:

ClinVar aggregate classification (germline): Uncertain significance (1 of 4 stars; one submission).

Conditions:
Congenital muscular dystrophy due to integrin alpha-7 deficiency. Also called: MYOPATHY, CONGENITAL, DUE TO INTEGRIN ALPHA-7 DEFICIENCY; Congenital muscular dystrophy with integrin alpha-7 deficiency; Muscular dystrophy, congenital, due to ITGA7 deficiency. Identifiers: Orphanet 34520, MedGen C2750786, MONDO:0013177, OMIM 613204.

Allele frequency attached by ClinVar (database versions not stated): gnomAD 0.00001 and 0.00008; TOPMed 0.00002; gnomAD exomes 0.00011 and 0.00023; ExAC 0.00024; 1000 Genomes Project 0.00080; 1000 Genomes Project 30x 0.00094.
gnomAD v4.1: 168 of 1,613,906 alleles (0.01%); highest among the groups gnomAD compares: South Asian, 0.14%; no homozygotes.

Submission:

Labcorp Genetics (formerly Invitae), Labcorp
Classification: Uncertain significance for Congenital muscular dystrophy due to integrin alpha-7 deficiency. Last evaluated: 2022-08-13. Review status: criteria provided, single submitter. Criteria: Invitae Variant Classification Sherloc (09022015). Collection method: clinical testing. Allele origin: germline.
Comment: This sequence change replaces arginine, which is basic and polar, with cysteine, which is neutral and slightly polar, at codon 347 of the ITGA7 protein (p.Arg347Cys). This variant is present in population databases (rs569613714, gnomAD 0.2%). This variant has not been reported in the literature in individuals affected with ITGA7-related conditions. ClinVar contains an entry for this variant (Variation ID: 650074). Algorithms developed to predict the effect of missense changes on protein structure and function are either unavailable or do not agree on the potential impact of this missense change (SIFT: "Deleterious"; PolyPhen-2: "Probably Damaging"; Align-GVGD: "Class C0"). In summary, the available evidence is currently insufficient to determine the role of this variant in disease. Therefore, it has been classified as a Variant of Uncertain Significance.

NM_002206.3(ITGA7):c.1039C>T (p.Arg347Cys)

Gene: ITGA7 (integrin subunit alpha 7; minus strand). Cytogenetic location: 12q13.2.
Variant type: single nucleotide variant.
Coding change: c.1039C>T on transcript NM_002206.3 (MANE Select); coding-DNA position 1039, C replaced by T.
Protein change: p.Arg347Cys; replaces arginine 347 with cysteine.
Molecular consequence: missense variant. On other transcripts: 5 prime UTR variant (1).
Genome position (GRCh38, 1-based): chr12:55,698,536, G>A on the plus strand (C>T on the coding strand, the complement: ITGA7 is on the minus strand). VCF-style: chr12-55698536-G-A. GRCh37 (hg19) VCF-style: chr12-56092320-G-A.
Other names: c.919C>T, p.Arg307Cys (NM_001414032.1); c.856C>T, p.Arg286Cys (NM_001414033.1); c.1039C>T, p.Arg347Cys (NM_001414034.1, NM_001374465.1, NM_001414031.1); c.700C>T, p.Arg234Cys (NM_001414035.1); c.712C>T, p.Arg238Cys (NM_001367993.1); c.-254C>T (NM_001367994.1); c.1171C>T, p.Arg391Cys (NM_001410977.1); c.1051C>T, p.Arg351Cys (NM_001414029.1, NM_001414030.1, NM_001144996.2); and 1 more; short protein forms R351C, R254C, R347C, R238C, R391C, R234C, R286C, R307C.
Identifiers: ClinVar variation 650074 (VCV000650074.6), dbSNP rs569613714, ClinGen allele CA6616076.